The following is an entry in ClinVar:

NM_001200016.2(NAA80):c.323T>C (p.Leu108Pro)

Genes: HYAL3 (hyaluronidase 3; minus strand), NAA80 (N-alpha-acetyltransferase 80, NatH catalytic subunit; minus strand). Cytogenetic location: 3p21.31.
Variant type: single nucleotide variant.
Coding change: c.323T>C on transcript NM_001200016.2 (MANE Select); coding-DNA position 323, T replaced by C.
Protein change: p.Leu108Pro; replaces leucine 108 with proline.
Molecular consequence: missense variant. On other transcripts: intron variant (5).
Genome position (GRCh38, 1-based): chr3:50,297,141, A>G on the plus strand (T>C on the coding strand, the complement: NAA80 is on the minus strand). VCF-style: chr3-50297141-A-G. GRCh37 (hg19) VCF-style: chr3-50334572-A-G.
Other names: c.323T>C, p.Leu108Pro (NM_001200018.2); c.389T>C, p.Leu130Pro (NM_012191.4); c.2+2072T>C (NM_001200032.2, NM_001200031.2); c.-17-1522T>C (NM_001200030.2, NM_003549.4, NM_001200029.2); short protein forms L108P, L130P.
Identifiers: ClinVar variation 1301869 (VCV001301869.6), dbSNP rs2109291659, ClinGen allele CA352953041.
Genomic context (GRCh38, chr3:50,297,141, plus strand): 5'-CGTGACAGGCGGGCATGGCCCACCACAACGGGTGCTGCTTCAAGTGTGGGGTGGGGGCTT[A>G]GCAGCATCAGGCAGAGGGGGAAGGCATCTGAGGACTGGCCCAGGGAGTGCAGGCGGGAGG-3'
Protein context (NP_001186945.1, residues 98-118): SDAFPLCLML[Leu108Pro]SPHPTLEAAP

ClinVar aggregate classification (germline): Pathogenic/Likely pathogenic. Review status: no assertion criteria provided (0 of 4 stars). 2 submissions from 2 submitters: Pathogenic (1); Likely pathogenic (1). Last evaluated 2024-08-06.

Conditions:
Auroneurodental syndrome. Identifiers: MedGen C5889721, MONDO:0970998, OMIM 620830.

Allele frequency attached by ClinVar (database versions not stated): gnomAD exomes below 0.00001.

Submissions (2):

OMIM
Classification: Pathogenic for AURONEURODENTAL SYNDROME (1 family). Last evaluated: 2024-08-06. Review status: no assertion criteria provided. Collection method: literature only. Allele origin: germline.

University Medical Center Utrecht, University Utrecht
Classification: Likely pathogenic. Last evaluated: 2021-10-21. Review status: no assertion criteria provided. Collection method: clinical testing, in vitro, in vivo. Allele origin: germline, not applicable. Inheritance: Autosomal recessive inheritance. Affected: yes and no. Observed: 1 heterozygote, 2 homozygotes. Clinical features observed: High-frequency sensorineural hearing impairment (HP:0001757), Prominence of the zygomatic bone (HP:0012370), Congenital ptosis (HP:0007970), Progressive sensorineural hearing impairment (HP:0000408), Brain imaging abnormality (HP:0410263), Low posterior hairline (HP:0002162), Prominent metopic ridge (HP:0005487), Tapered finger (HP:0001182), Everted lower lip vermilion (HP:0000232), Microretrognathia (HP:0000308), Synophrys (HP:0000664), Downturned corners of mouth (HP:0002714), and 36 more. Functional consequence: effect on protein abundance.
Comment: The homozygous c.389T>C , p.(Leu130Pro) NAA80 genetic variant has been reported in 2 Dutch brothers. Parents are heterozygous for this variant. Both individuals show progressive high-frequency sensorineural hearing loss, craniofacial dysmorphisms, developmental delay, and mild proximal and axial muscle weakness. Based on the molecular structure, we predicted and confirmed the NAA80 c.389T>C , p.(Leu130Pro) variant to result in protein destabilization, causing severely decreased NAA80 protein availability. Concurrently, individuals exhibited a ~50% decrease of actin acetylation. NAA80 individual derived fibroblasts and peripheral blood mononuclear cells showed increased migration, increased filopodia counts and increased levels of polymerized actin, in agreement with previous observations in NAA80 knock-out cells. Furthermore, the significant clinical overlap between NAA80 individuals and individuals with pathogenic variants in several actin subtypes reflects the general importance of controlled actin dynamics for the inner ear, brain and muscle.

Literature cited by the submitters: PubMed 34805998 (cited by OMIM); DOI 10.1093/braincomms/fcab256 (cited by University Medical Center Utrecht, University Utrecht).